The following is an entry in ClinVar:

NM_032387.5(WNK4):c.3503G>A (p.Gly1168Glu)

Gene: WNK4 (WNK lysine deficient protein kinase 4; plus strand). Cytogenetic location: 17q21.2.
Variant type: single nucleotide variant.
Coding change: c.3503G>A on transcript NM_032387.5 (MANE Select); coding-DNA position 3503, G replaced by A.
Protein change: p.Gly1168Glu; replaces glycine 1168 with glutamic acid.
Molecular consequence: missense variant.
Genome position (GRCh38, 1-based): chr17:42,796,194, G>A. VCF-style: chr17-42796194-G-A. GRCh37 (hg19) VCF-style: chr17-40948212-G-A.
Other names: c.2495G>A, p.Gly832Glu (NM_001321299.2); short protein forms G1168E, G832E.
Identifiers: ClinVar variation 2138029 (VCV002138029.5), dbSNP rs2054669133, ClinGen allele CA399671348.

ClinVar aggregate classification (germline): Uncertain significance. Review status: criteria provided, multiple submitters, no conflicts (2 of 4 stars). 2 submissions from 2 submitters: Uncertain significance (2). Last evaluated 2023-12-29.

Conditions:
Pseudohypoaldosteronism type 2B (PHA2B). Also called: Pseudohypoaldosteronism Type IIB. Identifiers: Orphanet 757, Orphanet 88939, MedGen C1840390, MONDO:0013777, OMIM 614491.

Allele frequency attached by ClinVar (database versions not stated): TOPMed below 0.00001.
gnomAD v4.1: 1 of 1,614,030 alleles (0.000062%); highest among the groups gnomAD compares: African/African-American, 0.0013%; no homozygotes.

Submissions (2):

Fulgent Genetics
Classification: Uncertain significance for Pseudohypoaldosteronism type 2B. Last evaluated: 2023-12-29. Review status: criteria provided, single submitter. Criteria: ACMG Guidelines, 2015. Collection method: clinical testing. Allele origin: germline.

Labcorp Genetics (formerly Invitae), Labcorp
Classification: Uncertain significance. Last evaluated: 2022-09-23. Review status: criteria provided, single submitter. Criteria: Invitae Variant Classification Sherloc (09022015). Collection method: clinical testing. Allele origin: germline.
Comment: This variant has not been reported in the literature in individuals affected with WNK4-related conditions. Algorithms developed to predict the effect of missense changes on protein structure and function are either unavailable or do not agree on the potential impact of this missense change (SIFT: "Deleterious"; PolyPhen-2: "Probably Damaging"; Align-GVGD: "Class C0"). In summary, the available evidence is currently insufficient to determine the role of this variant in disease. Therefore, it has been classified as a Variant of Uncertain Significance. This variant is not present in population databases (gnomAD no frequency). This sequence change replaces glycine, which is neutral and non-polar, with glutamic acid, which is acidic and polar, at codon 1168 of the WNK4 protein (p.Gly1168Glu).